The following is an entry in ClinVar:

NM_014363.6(SACS):c.12326C>A (p.Ala4109Glu)

Gene: SACS (sacsin molecular chaperone; minus strand). Cytogenetic location: 13q12.12.
Variant type: single nucleotide variant.
Coding change: c.12326C>A on transcript NM_014363.6 (MANE Select); coding-DNA position 12326, C replaced by A.
Protein change: p.Ala4109Glu; replaces alanine 4109 with glutamic acid.
Molecular consequence: missense variant.
Genome position (GRCh38, 1-based): chr13:23,331,550, G>T on the plus strand (C>A on the coding strand, the complement: SACS is on the minus strand). VCF-style: chr13-23331550-G-T. GRCh37 (hg19) VCF-style: chr13-23905689-G-T.
Other names: c.11885C>A, p.Ala3962Glu (NM_001278055.2); short protein forms A3962E, A4109E.
Identifiers: ClinVar variation 1311673 (VCV001311673.3), dbSNP rs2137559516, ClinGen allele CA387507993.

ClinVar aggregate classification (germline): Uncertain significance. Review status: criteria provided, multiple submitters, no conflicts (2 of 4 stars). 2 submissions from 2 submitters: Uncertain significance (2). Last evaluated 2022-07-12.

Conditions:
Spastic paraplegia. Identifiers: MedGen C0037772, HP:0001258.

Submissions (2):

Labcorp Genetics (formerly Invitae), Labcorp
Classification: Uncertain significance for Spastic paraplegia. Last evaluated: 2022-07-12. Review status: criteria provided, single submitter. Criteria: Invitae Variant Classification Sherloc (09022015). Collection method: clinical testing. Allele origin: germline.
Comment: This sequence change replaces alanine, which is neutral and non-polar, with glutamic acid, which is acidic and polar, at codon 4109 of the SACS protein (p.Ala4109Glu). This variant is not present in population databases (gnomAD no frequency). This variant has not been reported in the literature in individuals affected with SACS-related conditions. ClinVar contains an entry for this variant (Variation ID: 1311673). Advanced modeling of protein sequence and biophysical properties (such as structural, functional, and spatial information, amino acid conservation, physicochemical variation, residue mobility, and thermodynamic stability) performed at Invitae indicates that this missense variant is not expected to disrupt SACS protein function. In summary, the available evidence is currently insufficient to determine the role of this variant in disease. Therefore, it has been classified as a Variant of Uncertain Significance.

GeneDx
Classification: Uncertain significance. Last evaluated: 2020-01-07. Review status: criteria provided, single submitter. Criteria: GeneDx Variant Classification Process June 2021. Collection method: clinical testing. Allele origin: germline. Affected: yes.
Comment: Not observed in large population cohorts (Lek et al., 2016); In silico analysis, which includes protein predictors and evolutionary conservation, supports that this variant does not alter protein structure/function; Has not been previously published as pathogenic or benign to our knowledge